The following is an entry in ClinVar:

NM_000760.4(CSF3R):c.2289G>A (p.Gly763=)

Gene: CSF3R (colony stimulating factor 3 receptor; minus strand). Cytogenetic location: 1p34.3.
Variant type: single nucleotide variant.
Coding change: c.2289G>A on transcript NM_000760.4 (MANE Select); coding-DNA position 2289, G replaced by A.
Protein change: p.Gly763=; no amino-acid change (glycine 763 retained).
Molecular consequence: synonymous variant. On other transcripts: intron variant (1).
Genome position (GRCh38, 1-based): chr1:36,466,579, C>T on the plus strand (G>A on the coding strand, the complement: CSF3R is on the minus strand). VCF-style: chr1-36466579-C-T. GRCh37 (hg19) VCF-style: chr1-36932180-C-T.
Other names: c.2370G>A, p.Gly790= (NM_156039.3); c.2247+42G>A (NM_172313.3); c.2289G>A (NM_000760.3).
Identifiers: ClinVar variation 1157355 (VCV001157355.11), dbSNP rs1481867581, ClinGen allele CA417263720.
Genomic context (GRCh38, chr1:36,466,579, plus strand): 5'-GCTGGGGGTGAGGCCCGCCAAGAGGGGCTGAGTGGAGTCACAGCGGAGATAGTGCCCTGG[C>T]CCTGGGCTTGTGGGGCTGCCCAGCAGCTGCCCATAAAGGACCTGATCGCTGGTGCCAGAC-3'
Protein context (NP_000751.1, residues 753-773): GQLLGSPTSP[Gly763=]PGHYLRCDST

ClinVar aggregate classification (germline): Likely benign. Review status: criteria provided, single submitter (1 of 4 stars). 2 submissions from 2 submitters: Likely benign (1). 1 of the submissions does not count toward it. Last evaluated 2020-03-03.

Conditions:
Autosomal recessive severe congenital neutropenia due to CSF3R deficiency. Also called: Neutropenia, severe congenital, 7, autosomal recessive. Identifiers: Orphanet 420702, MedGen C4310764, MONDO:0014865, OMIM 617014.
CSF3R-related disorder. Also called: CSF3R-related condition.

Allele frequency attached by ClinVar (database versions not stated): gnomAD exomes below 0.00001 and 0.00001; TOPMed 0.00002.
gnomAD v4.1: 17 of 1,611,718 alleles (0.0011%); highest among the groups gnomAD compares: Non-Finnish European, 0.0014%; no homozygotes.

Submissions (2):

Labcorp Genetics (formerly Invitae), Labcorp
Classification: Likely benign for Autosomal recessive severe congenital neutropenia due to CSF3R deficiency. Last evaluated: 2020-03-03. Review status: criteria provided, single submitter. Criteria: Invitae Variant Classification Sherloc (09022015). Collection method: clinical testing. Allele origin: germline.

PreventionGenetics, part of Exact Sciences
Classification: Likely benign for CSF3R-related condition. Last evaluated: 2020-08-04. Review status: no assertion criteria provided. Collection method: clinical testing. Allele origin: germline. Not counted in ClinVar's aggregate classification.
Comment: This variant is classified as likely benign based on ACMG/AMP sequence variant interpretation guidelines (Richards et al. 2015 PMID: 25741868, with internal and published modifications).